The following is an entry in ClinVar:

ClinVar aggregate classification (germline): Uncertain significance (1 of 4 stars; one submission).

Conditions:
Inborn genetic diseases. Identifiers: MedGen C0950123, MeSH D030342.

gnomAD v4.1: 3 of 1,607,432 alleles (0.00019%); highest among the groups gnomAD compares: Non-Finnish European, 0.00025%; no homozygotes.

Submission:

Ambry Genetics
Classification: Uncertain significance for Inborn genetic diseases. Last evaluated: 2026-01-03. Review status: criteria provided, single submitter. Criteria: Ambry Variant Classification Scheme 2023. Collection method: clinical testing. Allele origin: germline.
Comment: The p.P156R variant (also known as c.467C>G), located in coding exon 2 of the KDM1A gene, results from a C to G substitution at nucleotide position 467. The proline at codon 156 is replaced by arginine, an amino acid with dissimilar properties. This amino acid position is conserved. In addition, this alteration is predicted to be tolerated by in silico analysis. Based on the available evidence, the clinical significance of this variant remains unclear.

NM_001009999.3(KDM1A):c.467C>G (p.Pro156Arg)

Gene: KDM1A (lysine demethylase 1A; plus strand). Cytogenetic location: 1p36.12.
Variant type: single nucleotide variant.
Coding change: c.467C>G on transcript NM_001009999.3 (MANE Select); coding-DNA position 467, C replaced by G.
Protein change: p.Pro156Arg; replaces proline 156 with arginine.
Molecular consequence: missense variant.
Genome position (GRCh38, 1-based): chr1:23,030,584, C>G. VCF-style: chr1-23030584-C-G. GRCh37 (hg19) VCF-style: chr1-23357077-C-G.
Other names: c.467C>G, p.Pro156Arg (NM_001363654.2, NM_001410762.1, NM_001410763.1 and 1 more transcripts); short protein forms P156R.
Identifiers: ClinVar variation 4841915 (VCV004841915.1).